The following is an entry in ClinVar:

NM_001267550.2(TTN):c.35602C>T (p.Gln11868Ter)

Gene: TTN (titin; minus strand). Cytogenetic location: 2q31.2.
Variant type: single nucleotide variant.
Coding change: c.35602C>T on transcript NM_001267550.2 (MANE Select); coding-DNA position 35602, C replaced by T.
Protein change: p.Gln11868Ter; replaces glutamine 11868 with a stop codon.
Molecular consequence: nonsense. On other transcripts: intron variant (5).
Genome position (GRCh38, 1-based): chr2:178,667,665, G>A on the plus strand (C>T on the coding strand, the complement: TTN is on the minus strand). VCF-style: chr2-178667665-G-A. GRCh37 (hg19) VCF-style: chr2-179532392-G-A.
Other names: c.13283-25348C>T (NM_003319.4); c.13859-25348C>T (NM_133437.4); c.13658-25348C>T (NM_133432.3); c.31483+2553C>T (NM_133378.4); c.34264+2553C>T (NM_001256850.1); short protein forms Q11868*.
Identifiers: ClinVar variation 2932292 (VCV002932292.3), dbSNP rs2473203258, ClinGen allele CA349509763.

ClinVar aggregate classification (germline): Likely pathogenic (1 of 4 stars; one submission).

Conditions:
Autosomal recessive limb-girdle muscular dystrophy type 2J (LGMDR10). Also called: Limb-girdle muscular dystrophy, type 2J; MUSCULAR DYSTROPHY, LIMB-GIRDLE, AUTOSOMAL RECESSIVE 10. Identifiers: Orphanet 140922, MedGen C1837342, MONDO:0012127, OMIM 608807.
Dilated cardiomyopathy 1G (CMD1G). Identifiers: Orphanet 154, MedGen C1858763, MONDO:0011400, OMIM 604145.

Submission:

Labcorp Genetics (formerly Invitae), Labcorp
Classification: Likely pathogenic for Dilated cardiomyopathy 1G; Autosomal recessive limb-girdle muscular dystrophy type 2J. Last evaluated: 2024-10-18. Review status: criteria provided, single submitter. Criteria: Invitae Variant Classification Sherloc (09022015). Collection method: clinical testing. Allele origin: germline.
Comment: This sequence change creates a premature translational stop signal (p.Gln11868*) in the TTN gene. While this is not anticipated to result in nonsense mediated decay, it is expected to create a truncated TTN protein. This variant is not present in population databases (gnomAD no frequency). This variant has not been reported in the literature in individuals affected with TTN-related conditions. Algorithms developed to predict the effect of sequence changes on RNA splicing suggest that this variant may disrupt the consensus splice site. This variant is located in the I band of TTN (PMID: 25589632). Truncating variants in this region have been reported in individuals affected with autosomal recessive centronuclear myopathy (PMID: 23975875, internal data). Truncating variants in this region have also been identified in individuals affected with autosomal dominant dilated cardiomyopathy and/or cardio-related conditions (PMID: 27869827, 32964742, internal data). In summary, the currently available evidence indicates that the variant is pathogenic, but additional data are needed to prove that conclusively. Therefore, this variant has been classified as Likely Pathogenic.

Literature cited by the submitters: PubMed 25589632; PubMed 23975875; PubMed 27869827; PubMed 32964742.